The following is an entry in ClinVar:

NM_182977.3(NNT):c.922T>C (p.Cys308Arg)

Gene: NNT (nicotinamide nucleotide transhydrogenase; plus strand). Cytogenetic location: 5p12.
Variant type: single nucleotide variant.
Coding change: c.922T>C on transcript NM_182977.3 (MANE Select); coding-DNA position 922, T replaced by C.
Protein change: p.Cys308Arg; replaces cysteine 308 with arginine.
Molecular consequence: missense variant.
Genome position (GRCh38, 1-based): chr5:43,628,345, T>C. VCF-style: chr5-43628345-T-C. GRCh37 (hg19) VCF-style: chr5-43628447-T-C.
Other names: c.529T>C, p.Cys177Arg (NM_001331026.2); c.922T>C, p.Cys308Arg (NM_012343.4); short protein forms C177R, C308R.
Identifiers: ClinVar variation 3731368 (VCV003731368.1).

ClinVar aggregate classification (germline): Uncertain significance (1 of 4 stars; one submission).

Conditions:
Glucocorticoid deficiency 4. Also called: Glucocorticoid deficiency 4 with or without mineralocorticoid deficiency. Identifiers: Orphanet 361, MedGen C3553587, MONDO:0013874, OMIM 614736.

Submission:

Neuberg Centre For Genomic Medicine, NCGM
Classification: Uncertain significance for Glucocorticoid deficiency 4. Last evaluated: 2023-06-22. Review status: criteria provided, single submitter. Criteria: ACMG Guidelines, 2015. Collection method: clinical testing. Allele origin: germline. Inheritance: Autosomal recessive inheritance. Affected: yes.
Comment: The missense variant c.922T>C (p.Cys308Arg) in the NNT gene has not been reported previously as a pathogenic variant nor as a benign variant, to our knowledge. This variant is absent in the gnomAD Exomes. The amino acid Cys at position 308 is changed to an Arg changing protein sequence and it might alter its composition and physico-chemical properties. Multiple lines of computational evidence (Polyphen - Damaging, SIFT - Damaging and MutationTaster - Disease causing) predict a damaging effect on protein structure and function for this variant. The amino acid change p.Cys308Arg in NNT is predicted as conserved by GERP++ and PhyloP across 100 vertebrates. For these reasons, this variant has been classified as Uncertain Significance. In the absence of another reportable variant, the molecular diagnosis is not confirmed.